The following is an entry in ClinVar:

NM_078470.6(COX15):c.751-17dup

Gene: COX15 (cytochrome c oxidase assembly factor COX15; minus strand). Cytogenetic location: 10q24.2.
Variant type: Duplication.
Coding change: c.751-17dup on transcript NM_078470.6 (MANE Select); 17 bases into the intron before coding-DNA position 751, one base duplicated (T; older notation c.751-17dupT).
Molecular consequence: intron variant.
Genome position (GRCh38, 1-based): chr10:99,721,078, A duplicated on the plus strand (T on the coding strand, the reverse complement: COX15 is on the minus strand); the first of 8 consecutive A bases (chr10:99,721,078-99,721,085); duplicating any one gives the same sequence. VCF-style (leftmost placement, unchanged base first): chr10-99721077-G-GA. GRCh37 (hg19) VCF-style: chr10-101480834-G-GA.
Other names: c.751-17dup (NM_001320974.2, NM_001372026.1, NM_001372028.1 and 5 more transcripts); c.214-17dup (NM_001320976.2); c.751-10dupT (NM_004376.5).
Identifiers: ClinVar variation 514807 (VCV000514807.4), dbSNP rs781670775, ClinGen allele CA5642180.

ClinVar aggregate classification (germline): Benign/Likely benign. Review status: criteria provided, multiple submitters, no conflicts (2 of 4 stars). 2 submissions from 2 submitters: Benign (1); Likely benign (1). Last evaluated 2026-01-20.

Submissions (2):

Labcorp Genetics (formerly Invitae), Labcorp
Classification: Benign. Last evaluated: 2026-01-20. Review status: criteria provided, single submitter. Criteria: Invitae Variant Classification Sherloc (09022015). Collection method: clinical testing. Allele origin: germline.

GeneDx
Classification: Likely benign. Last evaluated: 2018-02-05. Review status: criteria provided, single submitter. Criteria: GeneDx Variant Classification (06012015). Collection method: clinical testing. Allele origin: germline. Affected: yes.
Comment: This variant is considered likely benign or benign based on one or more of the following criteria: it is a conservative change, it occurs at a poorly conserved position in the protein, it is predicted to be benign by multiple in silico algorithms, and/or has population frequency not consistent with disease.